The following is an entry in ClinVar:

ClinVar aggregate classification (germline): Likely benign (1 of 4 stars; one submission).

Allele frequency attached by ClinVar (database versions not stated): gnomAD exomes 0.00091; gnomAD 0.00761 and 0.00819; 1000 Genomes Project 0.00779; 1000 Genomes Project 30x 0.00859; TOPMed 0.00862.
gnomAD v4.1: 1,882 of 916,032 alleles (0.21%); highest among the groups gnomAD compares: African/African-American, 2.6%; 25 homozygotes.

Submission:

GeneDx
Classification: Likely benign. Last evaluated: 2018-06-14. Review status: criteria provided, single submitter. Criteria: GeneDx Variant Classification (06012015). Collection method: clinical testing. Allele origin: germline. Affected: yes.
Comment: This variant is considered likely benign or benign based on one or more of the following criteria: it is a conservative change, it occurs at a poorly conserved position in the protein, it is predicted to be benign by multiple in silico algorithms, and/or has population frequency not consistent with disease.

NM_015141.4(GPD1L):c.959+71C>T

Gene: GPD1L (glycerol-3-phosphate dehydrogenase 1 like; plus strand). Cytogenetic location: 3p22.3.
Variant type: single nucleotide variant.
Coding change: c.959+71C>T on transcript NM_015141.4 (MANE Select); 71 bases into the intron after coding-DNA position 959, C replaced by T.
Molecular consequence: intron variant.
Genome position (GRCh38, 1-based): chr3:32,159,745, C>T. VCF-style: chr3-32159745-C-T. GRCh37 (hg19) VCF-style: chr3-32201237-C-T.
Identifiers: ClinVar variation 675874 (VCV000675874.1), dbSNP rs66691298, ClinGen allele CA72531456.